The following is an entry in ClinVar:

NM_022114.4(PRDM16):c.3271C>T (p.Arg1091Ter)

Gene: PRDM16 (PR/SET domain 16; plus strand). Cytogenetic location: 1p36.32.
Variant type: single nucleotide variant.
Coding change: c.3271C>T on transcript NM_022114.4 (MANE Select); coding-DNA position 3271, C replaced by T.
Protein change: p.Arg1091Ter; replaces arginine 1091 with a stop codon.
Molecular consequence: nonsense.
Genome position (GRCh38, 1-based): chr1:3,426,212, C>T. VCF-style: chr1-3426212-C-T. GRCh37 (hg19) VCF-style: chr1-3342776-C-T.
Other names: c.3271C>T, p.Arg1091Ter (NM_199454.3); short protein forms R1091*.
Identifiers: ClinVar variation 1805269 (VCV001805269.4), dbSNP rs2523952171, ClinGen allele CA338002928.

ClinVar aggregate classification (germline): Conflicting classifications of pathogenicity. Review status: criteria provided, conflicting classifications (1 of 4 stars). 3 submissions from 3 submitters: Likely pathogenic (2); Uncertain significance (1). Last evaluated 2024-09-26.

Conditions:
Left ventricular noncompaction 8 (LVNC8). Identifiers: Orphanet 154, Orphanet 54260, MedGen C3809288, MONDO:0014152, OMIM 615373.
PRDM16-related disorder. Also called: PRDM16-related condition.

Submissions (3):

Labcorp Genetics (formerly Invitae), Labcorp
Classification: Uncertain significance for Left ventricular noncompaction 8. Last evaluated: 2024-09-26. Review status: criteria provided, single submitter. Criteria: Invitae Variant Classification Sherloc (09022015). Collection method: clinical testing. Allele origin: germline.
Comment: This sequence change creates a premature translational stop signal (p.Arg1091*) in the PRDM16 gene. It is expected to result in an absent or disrupted protein product. However, the current clinical and genetic evidence is not sufficient to establish whether loss-of-function variants in PRDM16 cause disease. This variant is not present in population databases (gnomAD no frequency). This variant has not been reported in the literature in individuals affected with PRDM16-related conditions. ClinVar contains an entry for this variant (Variation ID: 1805269). In summary, the available evidence is currently insufficient to determine the role of this variant in disease. Therefore, it has been classified as a Variant of Uncertain Significance.

Victorian Clinical Genetics Services, Murdoch Childrens Research Institute
Classification: Likely pathogenic for Left ventricular noncompaction 8. Last evaluated: 2022-02-02. Review status: criteria provided, single submitter. Criteria: ACMG Guidelines, 2015. Collection method: clinical testing. Allele origin: germline. Inheritance: Autosomal dominant inheritance. Affected: yes.
Comment: Based on the classification scheme VCGS_Germline_v1.3.4, this variant is classified as Likely pathogenic. Following criteria are met: 0102 - Loss of function is a known mechanism of disease in this gene and is associated with Left ventricular noncompaction 8 (MIM#615373). (I) 0107 - This gene is associated with autosomal dominant disease. (I) 0201 - Variant is predicted to cause nonsense-mediated decay (NMD) and loss of protein (premature termination codon is located at least 54 nucleotides upstream of the final exon-exon junction). (SP) 0251 - This variant is heterozygous. (I) 0301 - Variant is absent from gnomAD (both v2 and v3). (SP) 0702 - Other NMD-predicted variants comparable to the one identified in this case have strong previous evidence for pathogenicity. Other NMD-predicted variants have been reported in individuals with LVNC (ClinVar, PMID: 33500567). (SP) 0807 - This variant has no previous evidence of pathogenicity. (I) 0905 - No published segregation evidence has been identified for this variant. (I) 1007 - No published functional evidence has been identified for this variant. (I) 1208 - Inheritance information for this variant is not currently available in this individual. (I) Legend: (SP) - Supporting pathogenic, (I) - Information, (SB) - Supporting benign

Blueprint Genetics
Classification: Likely pathogenic for PRDM16-related disorders. Last evaluated: 2020-05-14. Review status: criteria provided, single submitter. Criteria: ACMG Guidelines, 2015. Collection method: clinical testing. Allele origin: germline. Affected: yes. Observed: 2 variant alleles.

Literature cited by the submitters: PubMed 33500567 (cited by Victorian Clinical Genetics Services, Murdoch Childrens Research Institute).